The following is an entry in ClinVar:

ClinVar aggregate classification (germline): Likely pathogenic (1 of 4 stars; one submission).

Conditions:
Short-rib thoracic dysplasia 14 with polydactyly (SRTD14). Identifiers: Orphanet 397715, MedGen C4225286, MONDO:0014688, OMIM 616546.
Joubert syndrome 23 (JBTS23). Identifiers: Orphanet 475, MedGen C4084822, MONDO:0014664, OMIM 616490.

Allele frequency attached by ClinVar (database versions not stated): gnomAD 0.00001; TOPMed 0.00002.
gnomAD v4.1: 2 of 1,612,722 alleles (0.00012%); highest among the groups gnomAD compares: African/African-American, 0.0027%; no homozygotes.

Submission:

Labcorp Genetics (formerly Invitae), Labcorp
Classification: Likely pathogenic for Joubert syndrome 23; Short-rib thoracic dysplasia 14 with polydactyly. Last evaluated: 2022-07-19. Review status: criteria provided, single submitter. Criteria: Invitae Variant Classification Sherloc (09022015). Collection method: clinical testing. Allele origin: germline.
Comment: This variant is present in population databases (no rsID available, gnomAD 0.01%). This sequence change affects a donor splice site in intron 26 of the KIAA0586 gene. It is expected to disrupt RNA splicing. Variants that disrupt the donor or acceptor splice site typically lead to a loss of protein function (PMID: 16199547), and loss-of-function variants in KIAA0586 are known to be pathogenic (PMID: 26096313, 26166481, 26386044). This variant has not been reported in the literature in individuals affected with KIAA0586-related conditions. ClinVar contains an entry for this variant (Variation ID: 573644). In summary, the currently available evidence indicates that the variant is pathogenic, but additional data are needed to prove that conclusively. Therefore, this variant has been classified as Likely Pathogenic. Algorithms developed to predict the effect of sequence changes on RNA splicing suggest that this variant may disrupt the consensus splice site.

Literature cited by the submitters: PubMed 16199547; PubMed 26096313; PubMed 26166481; PubMed 26386044.

NM_001329943.3(KIAA0586):c.3781+2T>C

Gene: KIAA0586 (KIAA0586; plus strand). Cytogenetic location: 14q23.1.
Variant type: single nucleotide variant.
Coding change: c.3781+2T>C on transcript NM_001329943.3 (MANE Select); the canonical splice donor site of the intron after coding-DNA position 3781, T replaced by C.
Molecular consequence: splice donor variant.
Genome position (GRCh38, 1-based): chr14:58,488,876, T>C. VCF-style: chr14-58488876-T-C. GRCh37 (hg19) VCF-style: chr14-58955594-T-C.
Other names: c.3940+2T>C (NM_001244189.2); c.3736+2T>C (NM_001244190.2); c.3649+2T>C (NM_001244192.2); c.3526+2T>C (NM_001244191.2, NM_001364701.2, NM_001329945.2 and 1 more transcripts); c.3781+2T>C (NM_001329944.2, NM_001329946.2, NM_001329947.2); c.3553+2T>C (NM_014749.5); c.3361+2T>C (NM_001244193.2).
Identifiers: ClinVar variation 573644 (VCV000573644.7), dbSNP rs1331480187, ClinGen allele CA389882989.